The following is an entry in ClinVar:

NM_201596.3(CACNB2):c.1960_1970dup (p.Tyr657Ter)

Gene: CACNB2 (calcium voltage-gated channel auxiliary subunit beta 2; plus strand). Cytogenetic location: 10p12.31.
Variant type: Duplication.
Coding change: c.1960_1970dup on transcript NM_201596.3 (MANE Select); coding-DNA positions 1960 to 1970, 11 bases duplicated (AGGGATGTTTA).
Protein change: p.Tyr657Ter; replaces tyrosine 657 with a stop codon.
Molecular consequence: nonsense. On other transcripts: frameshift variant (1).
Genome position (GRCh38, 1-based): chr10:18,539,701-18,539,711, AGGGATGTTTA duplicated. VCF-style (leftmost placement, unchanged base first): chr10-18539700-C-CAGGGATGTTTA. GRCh37 (hg19) VCF-style: chr10-18828629-C-CAGGGATGTTTA.
Other names: c.1795_1805dup, p.Tyr602Ter (NM_000724.4); c.1762_1772dup, p.Tyr591Ter (NM_001167945.2); c.1681_1691dup, p.Tyr564Ter (NM_001330060.2); c.1702_1712dup, p.Tyr571Terfs (NM_001410882.1); c.1816_1826dup, p.Tyr609Ter (NM_201570.3); c.1876_1886dup, p.Tyr629Ter (NM_201571.4); c.1804_1814dup, p.Tyr605Ter (NM_201572.4); c.1798_1808dup, p.Tyr603Ter (NM_201590.3); and 3 more; short protein forms Y564*, Y603*, Y629*, Y633*, Y657*, Y591*, Y605*, Y609*.
Identifiers: ClinVar variation 2191690 (VCV002191690.6), dbSNP rs769096823, ClinGen allele CA5430217.

ClinVar aggregate classification (germline): Uncertain significance. Review status: criteria provided, multiple submitters, no conflicts (2 of 4 stars). 2 submissions from 2 submitters: Uncertain significance (2). Last evaluated 2023-06-23.

Conditions:
Cardiovascular phenotype. Identifiers: MedGen CN230736.
Brugada syndrome 4 (BRGDA4). Identifiers: Orphanet 130, MedGen C2678477, MONDO:0012743, OMIM 611876.

Allele frequency attached by ClinVar (database versions not stated): gnomAD exomes below 0.00001; TOPMed below 0.00001; ExAC 0.00001.

Submissions (2):

Ambry Genetics
Classification: Uncertain significance for Cardiovascular phenotype. Last evaluated: 2023-06-23. Review status: criteria provided, single submitter. Criteria: Ambry Variant Classification Scheme 2023. Collection method: clinical testing. Allele origin: germline.
Comment: The c.1798_1808dup11 variant, located in coding exon 13 of the CACNB2 gene, results from a duplication of AGGGATGTTTA at nucleotide position 1798, causing a translational frameshift with a predicted alternate stop codon (p.Y603*). This alteration occurs at the 3' terminus of theCACNB2 gene, is not expected to trigger nonsense-mediated mRNAdecay, and only impacts the last 4 amino acids of the protein. The exact functional effect of this alteration is unknown. Furthermore, loss of function of CACNB2 has not been established as a mechanism of disease. The evidence for this gene-disease relationship is limited; therefore, the clinical significance of this alteration is unclear.

Labcorp Genetics (formerly Invitae), Labcorp
Classification: Uncertain significance for Brugada syndrome 4. Last evaluated: 2022-03-27. Review status: criteria provided, single submitter. Criteria: Invitae Variant Classification Sherloc (09022015). Collection method: clinical testing. Allele origin: germline.
Comment: In summary, the available evidence is currently insufficient to determine the role of this variant in disease. Therefore, it has been classified as a Variant of Uncertain Significance. Experimental studies and prediction algorithms are not available or were not evaluated, and the functional significance of this variant is currently unknown. This variant has not been reported in the literature in individuals affected with CACNB2-related conditions. This variant is present in population databases (rs769096823, gnomAD 0.006%). This sequence change creates a premature translational stop signal (p.Tyr603*) in the CACNB2 gene. While this is not anticipated to result in nonsense mediated decay, it is expected to disrupt the last 4 amino acid(s) of the CACNB2 protein.